The following is an entry in ClinVar:

NM_005559.4(LAMA1):c.3626G>T (p.Arg1209Leu)

Gene: LAMA1 (laminin subunit alpha 1; minus strand). Cytogenetic location: 18p11.31.
Variant type: single nucleotide variant.
Coding change: c.3626G>T on transcript NM_005559.4 (MANE Select); coding-DNA position 3626, G replaced by T.
Protein change: p.Arg1209Leu; replaces arginine 1209 with leucine.
Molecular consequence: missense variant.
Genome position (GRCh38, 1-based): chr18:7,011,361, C>A on the plus strand (G>T on the coding strand, the complement: LAMA1 is on the minus strand). VCF-style: chr18-7011361-C-A. GRCh37 (hg19) VCF-style: chr18-7011360-C-A.
Other names: c.3626G>T (NM_005559.3); short protein forms R1209L.
Identifiers: ClinVar variation 1990949 (VCV001990949.3), dbSNP rs137905025, ClinGen allele CA8882213.

ClinVar aggregate classification (germline): Uncertain significance. Review status: criteria provided, multiple submitters, no conflicts (2 of 4 stars). 2 submissions from 2 submitters: Uncertain significance (2). Last evaluated 2023-01-17.

Conditions:
Inborn genetic diseases. Identifiers: MedGen C0950123, MeSH D030342.

Allele frequency attached by ClinVar (database versions not stated): ExAC 0.00004; ESP Exome Variant Server 0.00015.
gnomAD v4.1: 22 of 1,611,730 alleles (0.0014%); highest among the groups gnomAD compares: African/African-American, 0.025%; no homozygotes.

Submissions (2):

Ambry Genetics
Classification: Uncertain significance for Inborn genetic diseases. Last evaluated: 2023-01-17. Review status: criteria provided, single submitter. Criteria: Ambry Variant Classification Scheme 2023. Collection method: clinical testing. Allele origin: germline.

Labcorp Genetics (formerly Invitae), Labcorp
Classification: Uncertain significance. Last evaluated: 2022-08-16. Review status: criteria provided, single submitter. Criteria: Invitae Variant Classification Sherloc (09022015). Collection method: clinical testing. Allele origin: germline.
Comment: This sequence change replaces arginine, which is basic and polar, with leucine, which is neutral and non-polar, at codon 1209 of the LAMA1 protein (p.Arg1209Leu). This variant is present in population databases (rs137905025, gnomAD 0.03%). This variant has not been reported in the literature in individuals affected with LAMA1-related conditions. Algorithms developed to predict the effect of missense changes on protein structure and function (SIFT, PolyPhen-2, Align-GVGD) all suggest that this variant is likely to be tolerated. In summary, the available evidence is currently insufficient to determine the role of this variant in disease. Therefore, it has been classified as a Variant of Uncertain Significance.